The following is an entry in ClinVar:

ClinVar aggregate classification (germline): Likely benign (1 of 4 stars; one submission).

Conditions:
Arrhythmogenic cardiomyopathy with wooly hair and keratoderma. Also called: Carvajal syndrome; PALMOPLANTAR KERATODERMA WITH LEFT VENTRICULAR CARDIOMYOPATHY AND WOOLLY HAIR; Dilated cardiomyopathy with woolly hair and keratoderma; Arrhythmogenic cardiomyopathy with woolly hair and keratoderma. Identifiers: Orphanet 65282, MedGen C1854063, MONDO:0011581, OMIM 605676.

Submission:

All of Us Research Program, National Institutes of Health
Classification: Likely benign for Arrhythmogenic cardiomyopathy with wooly hair and keratoderma. Last evaluated: 2024-02-22. Review status: criteria provided, single submitter. Criteria: ACMG Guidelines, 2015. Collection method: clinical testing. Allele origin: germline. Inheritance: Autosomal dominant inheritance. Observed: 1 variant allele, 1 heterozygote.
Comment: This study involves interpretation of variants in research participants for the purpose of population health screening. Participant phenotype was not available at the time of variant classification. Additional details can be found in publication PMID: 35346344, PMCID: PMC8962531

NM_004415.4(DSP):c.6252G>A (p.Gln2084=)

Gene: DSP (desmoplakin; plus strand). Cytogenetic location: 6p24.3.
Variant type: single nucleotide variant.
Coding change: c.6252G>A on transcript NM_004415.4 (MANE Select); coding-DNA position 6252, G replaced by A.
Protein change: p.Gln2084=; no amino-acid change (glutamine 2084 retained).
Molecular consequence: synonymous variant.
Genome position (GRCh38, 1-based): chr6:7,583,514, G>A. VCF-style: chr6-7583514-G-A. GRCh37 (hg19) VCF-style: chr6-7583747-G-A.
Other names: c.4455G>A, p.Gln1485= (NM_001008844.3); c.4923G>A, p.Gln1641= (NM_001319034.2).
Identifiers: ClinVar variation 3386701 (VCV003386701.1).
Genomic context (GRCh38, chr6:7,583,514, plus strand): 5'-TGAGAAGCTGACTGTCGACAGTGCCATAGCTCGGGACCTCATTGACTTCGATGACCGTCA[G>A]CAGATATATGCAGCAGAAAAAGCTATCACTGGTTTTGATGATCCATTTTCAGGCAAGACA-3'
Protein context (NP_004406.2, residues 2074-2094): ARDLIDFDDR[Gln2084=]QIYAAEKAIT